The following is an entry in ClinVar:

NM_000245.4(MET):c.3761G>A (p.Ser1254Asn)

Gene: MET (MET proto-oncogene, receptor tyrosine kinase; plus strand). Cytogenetic location: 7q31.2.
Variant type: single nucleotide variant.
Coding change: c.3761G>A on transcript NM_000245.4 (MANE Select); coding-DNA position 3761, G replaced by A.
Protein change: p.Ser1254Asn; replaces serine 1254 with asparagine.
Molecular consequence: missense variant.
Genome position (GRCh38, 1-based): chr7:116,783,432, G>A. VCF-style: chr7-116783432-G-A. GRCh37 (hg19) VCF-style: chr7-116423486-G-A.
Other names: c.3815G>A, p.Ser1272Asn (NM_001127500.3); c.2471G>A, p.Ser824Asn (NM_001324402.2); short protein forms S1254N, S1272N, S824N.
Identifiers: ClinVar variation 3294311 (VCV003294311.2).
Genomic context (GRCh38, chr7:116,783,432, plus strand): 5'-ACTATAGTGTACACAACAAAACAGGTGCAAAGCTGCCAGTGAAGTGGATGGCTTTGGAAA[G>A]TCTGCAAACTCAAAAGTTTACCACCAAGTCAGATGTGGTAATGTATTGGTTATCTCTGAG-3'
Protein context (NP_000236.2, residues 1244-1264): KLPVKWMALE[Ser1254Asn]LQTQKFTTKS

ClinVar aggregate classification (germline): Uncertain significance (1 of 4 stars; one submission).

Conditions:
Hereditary cancer-predisposing syndrome. Also called: Tumor predisposition; Hereditary Cancer Syndrome; Hereditary neoplastic syndrome; Neoplastic Syndromes, Hereditary. Identifiers: Orphanet 140162, MedGen C0027672, MeSH D009386, MONDO:0015356.

Submission:

Ambry Genetics
Classification: Uncertain significance for Hereditary cancer-predisposing syndrome. Last evaluated: 2025-08-18. Review status: criteria provided, single submitter. Criteria: Ambry Variant Classification Scheme 2023. Collection method: clinical testing. Allele origin: germline.
Comment: The p.S1272N variant (also known as c.3815G>A), located in coding exon 18 of the MET gene, results from a G to A substitution at nucleotide position 3815. The serine at codon 1272 is replaced by asparagine, an amino acid with highly similar properties. This amino acid position is highly conserved in available vertebrate species. In addition, this alteration is predicted to be tolerated by in silico analysis. Based on the available evidence, the clinical significance of this variant remains unclear.